The following is an entry in ClinVar:

ClinVar aggregate classification (germline): Uncertain significance (1 of 4 stars; one submission).

Conditions:
Hereditary cancer-predisposing syndrome. Also called: Tumor predisposition; Hereditary neoplastic syndrome; Hereditary Cancer Syndrome; Neoplastic Syndromes, Hereditary. Identifiers: Orphanet 140162, MedGen C0027672, MeSH D009386, MONDO:0015356.

Submission:

Ambry Genetics
Classification: Uncertain significance for Hereditary cancer-predisposing syndrome. Last evaluated: 2025-05-30. Review status: criteria provided, single submitter. Criteria: Ambry Variant Classification Scheme 2023. Collection method: clinical testing. Allele origin: germline.
Comment: The c.1995_1996dupTG variant, located in coding exon 15 of the POLD1 gene, results from a duplication of TG at nucleotide position 1995, causing a translational frameshift with a predicted alternate stop codon (p.A666Vfs*29). This alteration is expected to result in loss of function by premature protein truncation or nonsense-mediated mRNA decay. However, loss of function of POLD1 has not been established as a mechanism of disease. Based on the available evidence, the clinical significance of this alteration remains unclear.

NM_002691.4(POLD1):c.1995_1996dup (p.Ala666fs)

Gene: POLD1 (DNA polymerase delta 1, catalytic subunit; plus strand). Cytogenetic location: 19q13.33.
Variant type: Duplication.
Coding change: c.1995_1996dup on transcript NM_002691.4 (MANE Select); coding-DNA positions 1995 to 1996, 2 bases duplicated (TG; older notation c.1995_1996dupTG).
Protein change: p.Ala666fs; shifts the reading frame from alanine 666.
Molecular consequence: frameshift variant. On other transcripts: non-coding transcript variant (1).
Genome position (GRCh38, 1-based): chr19:50,409,224-50,409,225, TG duplicated; duplicating any 2 consecutive bases within chr19:50,409,223-50,409,225 gives the same sequence; the c. name uses the placement nearest the transcript's 3' end. VCF-style (leftmost placement, unchanged base first): chr19-50409222-A-AGT. GRCh37 (hg19) VCF-style: chr19-50912479-A-AGT.
Other names: c.1995_1996dup, p.Ala666fs (NM_001256849.1); c.2073_2074dup, p.Ala692fs (NM_001308632.1); short protein forms A666fs, A692fs.
Identifiers: ClinVar variation 3935583 (VCV003935583.1).